The following is an entry in ClinVar:

ClinVar aggregate classification (germline): Benign/Likely benign. Review status: criteria provided, multiple submitters, no conflicts (2 of 4 stars). 4 submissions from 4 submitters: Benign (1); Likely benign (3). Last evaluated 2026-07-13.

Conditions:
Rhabdoid tumor predisposition syndrome 2 (RTPS2). Identifiers: Orphanet 231108, Orphanet 69077, MedGen C2750074, MONDO:0013224, OMIM 613325.
Hereditary cancer-predisposing syndrome. Also called: Hereditary Cancer Syndrome; Hereditary neoplastic syndrome; Neoplastic Syndromes, Hereditary; Tumor predisposition. Identifiers: Orphanet 140162, MedGen C0027672, MeSH D009386, MONDO:0015356.

Allele frequency attached by ClinVar (database versions not stated): ExAC 0.00003; gnomAD exomes 0.00004 and 0.00001; TOPMed 0.00005; ESP Exome Variant Server 0.00008; gnomAD 0.00003.
gnomAD v4.1: 19 of 1,613,900 alleles (0.0012%); highest among the groups gnomAD compares: African/African-American, 0.011%; no homozygotes.

Submissions (4):

Myriad Genetics, Inc.
Classification: Benign for Rhabdoid tumor predisposition syndrome 2. Last evaluated: 2026-07-13. Review status: criteria provided, single submitter. Criteria: Myriad Autosomal Dominant, Autosomal Recessive and X-Linked Classification Criteria (2023). Collection method: clinical testing. Allele origin: unknown.
Comment: This variant is considered benign. This variant is a silent/synonymous amino acid change and it is not expected to impact splicing.

Labcorp Genetics (formerly Invitae), Labcorp
Classification: Likely benign for Rhabdoid tumor predisposition syndrome 2. Last evaluated: 2025-12-12. Review status: criteria provided, single submitter. Criteria: Invitae Variant Classification Sherloc (09022015). Collection method: clinical testing. Allele origin: germline.

Sema4
Classification: Likely benign for Hereditary cancer-predisposing syndrome. Last evaluated: 2021-03-14. Review status: criteria provided, single submitter. Criteria: Sema4 Curation Guidelines. Collection method: curation. Allele origin: germline.

Ambry Genetics
Classification: Likely benign for Hereditary cancer-predisposing syndrome. Last evaluated: 2015-09-10. Review status: criteria provided, single submitter. Criteria: Ambry Variant Classification Scheme 2023. Collection method: clinical testing. Allele origin: germline.

NM_003072.5(SMARCA4):c.2457G>A (p.Ala819=)

Gene: SMARCA4 (SWI/SNF related BAF chromatin remodeling complex subunit ATPase 4; plus strand). Cytogenetic location: 19p13.2.
Variant type: single nucleotide variant.
Coding change: c.2457G>A on transcript NM_003072.5 (MANE Select); coding-DNA position 2457, G replaced by A.
Protein change: p.Ala819=; no amino-acid change (alanine 819 retained).
Molecular consequence: synonymous variant. On other transcripts: non-coding transcript variant (1).
Genome position (GRCh38, 1-based): chr19:11,018,975, G>A. VCF-style: chr19-11018975-G-A. GRCh37 (hg19) VCF-style: chr19-11129651-G-A.
Other names: c.2457G>A, p.Ala819= (NM_001387283.1, NM_001128844.3, NM_001128845.2 and 5 more transcripts).
Identifiers: ClinVar variation 470308 (VCV000470308.18), dbSNP rs368438634, ClinGen allele CA9204127.
Genomic context (GRCh38, chr19:11,018,975, plus strand): 5'-ATGAGAGACCGGCACTTGACTCTCATTTCCTTGTTCCATCAGAACGCTGTCCAACTGGGC[G>A]TACGAGTTTGACAAGTGGGCCCCCTCCGTGGTGAAGGTGTCTTACAAGGTAGGTCACAGC-3'
Protein context (NP_003063.2, residues 809-829): IVPLSTLSNW[Ala819=]YEFDKWAPSV